The following is an entry in ClinVar:

NM_000321.3(RB1):c.-121G>A

Gene: RB1 (RB transcriptional corepressor 1; plus strand). Cytogenetic location: 13q14.2.
Variant type: single nucleotide variant.
Coding change: c.-121G>A on transcript NM_000321.3 (MANE Select); 121 bases upstream of the start codon, G replaced by A.
Molecular consequence: 5 prime UTR variant.
Genome position (GRCh38, 1-based): chr13:48,303,792, G>A. VCF-style: chr13-48303792-G-A. GRCh37 (hg19) VCF-style: chr13-48877928-G-A.
Other names: c.-121G>A (NM_001407165.1, NM_001407166.1, NM_001407167.1).
Identifiers: ClinVar variation 2801585 (VCV002801585.3), dbSNP rs2542092269, ClinGen allele CA2622977151.

ClinVar aggregate classification (germline): Uncertain significance (1 of 4 stars; one submission).

Conditions:
Retinoblastoma (RB1). Also called: RETINOBLASTOMA, SOMATIC. Identifiers: Orphanet 790, MedGen C0035335, MeSH D012175, MONDO:0008380, OMIM 180200, HP:0009919. Disease mechanism: loss of function. Inheritance: Both sporadic and heritable forms are tested..

Submission:

Labcorp Genetics (formerly Invitae), Labcorp
Classification: Uncertain significance for Retinoblastoma. Last evaluated: 2024-04-08. Review status: criteria provided, single submitter. Criteria: Invitae Variant Classification Sherloc (09022015). Collection method: clinical testing. Allele origin: germline.
Comment: This variant occurs in a non-coding region of the RB1 gene. It does not change the encoded amino acid sequence of the RB1 protein. This variant is not present in population databases (gnomAD no frequency). This variant has not been reported in the literature in individuals affected with RB1-related conditions. In summary, the available evidence is currently insufficient to determine the role of this variant in disease. Therefore, it has been classified as a Variant of Uncertain Significance.